The following is an entry in ClinVar:

NM_015466.4(PTPN23):c.3059C>A (p.Pro1020Gln)

Gene: PTPN23 (protein tyrosine phosphatase non-receptor type 23; plus strand). Cytogenetic location: 3p21.31.
Variant type: single nucleotide variant.
Coding change: c.3059C>A on transcript NM_015466.4 (MANE Select); coding-DNA position 3059, C replaced by A.
Protein change: p.Pro1020Gln; replaces proline 1020 with glutamine.
Molecular consequence: missense variant.
Genome position (GRCh38, 1-based): chr3:47,410,857, C>A. VCF-style: chr3-47410857-C-A. GRCh37 (hg19) VCF-style: chr3-47452347-C-A.
Other names: c.2681C>A, p.Pro894Gln (NM_001304482.2); short protein forms P894Q, P1020Q.
Identifiers: ClinVar variation 1466447 (VCV001466447.6), dbSNP rs757391851, ClinGen allele CA2366185.
Genomic context (GRCh38, chr3:47,410,857, plus strand): 5'-ATGCCCCTCAGCCTGGGGTCCTGGGGCAGCCGCCACCCCCCCTACACACCCAGCTCTACC[C>A]AGGTCCCGCTCAAGACCCTCTGCCAGCCCACTCAGGGGCTCTGCCTTTCCCCAGCCCTGG-3'
Protein context (NP_056281.1, residues 1010-1030): PPPPLHTQLY[Pro1020Gln]GPAQDPLPAH

ClinVar aggregate classification (germline): Uncertain significance (1 of 4 stars; one submission).

Allele frequency attached by ClinVar (database versions not stated): ExAC 0.00001; gnomAD exomes 0.00001 and 0.00003.
gnomAD v4.1: 39 of 1,609,602 alleles (0.0024%); highest among the groups gnomAD compares: Non-Finnish European, 0.0032%; no homozygotes.

Submission:

Labcorp Genetics (formerly Invitae), Labcorp
Classification: Uncertain significance. Last evaluated: 2024-04-25. Review status: criteria provided, single submitter. Criteria: Invitae Variant Classification Sherloc (09022015). Collection method: clinical testing. Allele origin: germline.
Comment: This sequence change replaces proline, which is neutral and non-polar, with glutamine, which is neutral and polar, at codon 1020 of the PTPN23 protein (p.Pro1020Gln). This variant is present in population databases (rs757391851, gnomAD 0.002%). This variant has not been reported in the literature in individuals affected with PTPN23-related conditions. ClinVar contains an entry for this variant (Variation ID: 1466447). An algorithm developed to predict the effect of missense changes on protein structure and function (PolyPhen-2) suggests that this variant is likely to be tolerated. In summary, the available evidence is currently insufficient to determine the role of this variant in disease. Therefore, it has been classified as a Variant of Uncertain Significance.